The following is an entry in ClinVar:

NM_002016.2(FLG):c.1133C>G (p.Ser378Ter)

Genes: CCDST (cervical cancer associated DHX9 suppressive transcript; plus strand), FLG (filaggrin; minus strand). Cytogenetic location: 1q21.3.
Variant type: single nucleotide variant.
Coding change: c.1133C>G on transcript NM_002016.2 (MANE Select); coding-DNA position 1133, C replaced by G.
Protein change: p.Ser378Ter; replaces serine 378 with a stop codon.
Molecular consequence: nonsense. On other transcripts: non-coding transcript variant (1).
Genome position (GRCh38, 1-based): chr1:152,313,753, G>C on the plus strand (C>G on the coding strand, the complement: FLG is on the minus strand). VCF-style: chr1-152313753-G-C. GRCh37 (hg19) VCF-style: chr1-152286229-G-C.
Other names: short protein forms S378*.
Identifiers: ClinVar variation 3897182 (VCV003897182.2).

ClinVar aggregate classification (germline): Pathogenic/Likely pathogenic. Review status: criteria provided, multiple submitters, no conflicts (2 of 4 stars). 2 submissions from 2 submitters: Pathogenic (1); Likely pathogenic (1). Last evaluated 2024-10-30.

Conditions:
Dermatitis, atopic, 2. Identifiers: MedGen C1853965, MONDO:0011596, OMIM 605803.

gnomAD v4.1: 6 of 1,613,996 alleles (0.00037%); highest among the groups gnomAD compares: East Asian, 0.0067%; no homozygotes.

Submissions (2):

GeneDx
Classification: Pathogenic. Last evaluated: 2024-10-30. Review status: criteria provided, single submitter. Criteria: GeneDx Variant Classification Process June 2021. Collection method: clinical testing. Allele origin: germline. Affected: yes.
Comment: Variant reported in one individual from a large cohort with atopic dermatitis (PMID: 29056476); Nonsense variant predicted to result in protein truncation or nonsense mediated decay in a gene for which loss of function is a known mechanism of disease; This variant is associated with the following publications: (PMID: 29056476)

Juno Genomics, Hangzhou Juno Genomics, Inc
Classification: Likely pathogenic for Dermatitis, atopic, 2. Review status: criteria provided, single submitter. Criteria: ACMG Guidelines, 2015. Collection method: clinical testing. Allele origin: germline. Affected: yes.
Comment: Absent from controls (or at extremely low frequency if recessive) in Genome Aggregation Database.;Null variant in a gene where loss of function (LOF) is a known mechanism of disease.;The prevalence of the variant in affected individuals is significantly increased compared to the prevalence in controls.;Patient's phenotype or family history is highly specific for a disease with a single genetic etiology.